The following is an entry in ClinVar:

NM_020738.4(KIDINS220):c.5084C>T (p.Ala1695Val)

Gene: KIDINS220 (kinase D interacting substrate 220; minus strand). Cytogenetic location: 2p25.1.
Variant type: single nucleotide variant.
Coding change: c.5084C>T on transcript NM_020738.4 (MANE Select); coding-DNA position 5084, C replaced by T.
Protein change: p.Ala1695Val; replaces alanine 1695 with valine.
Molecular consequence: missense variant. On other transcripts: intron variant (6).
Genome position (GRCh38, 1-based): chr2:8,730,952, G>A on the plus strand (C>T on the coding strand, the complement: KIDINS220 is on the minus strand). VCF-style: chr2-8730952-G-A. GRCh37 (hg19) VCF-style: chr2-8871082-G-A.
Other names: c.5087C>T, p.Ala1696Val (NM_001348729.2); c.5030C>T, p.Ala1677Val (NM_001348731.2); c.5027C>T, p.Ala1676Val (NM_001348732.2); c.4916C>T, p.Ala1639Val (NM_001348734.2); c.4913C>T, p.Ala1638Val (NM_001348735.2); c.4787C>T, p.Ala1596Val (NM_001348736.2); c.3882+2492C>T (NM_001348741.2, NM_001348742.2, NM_001348743.2); c.3996+2492C>T (NM_001348738.2); and 1 more; short protein forms A1638V, A1639V, A1676V, A1677V, A1696V, A1596V, A1695V.
Identifiers: ClinVar variation 4986996 (VCV004986996.1).

ClinVar aggregate classification (germline): Uncertain significance (1 of 4 stars; one submission).

Conditions:
KIDINS220-related disorder. Also called: KIDINS220-related condition.

gnomAD v4.1: 31 of 1,614,198 alleles (0.0019%); highest among the groups gnomAD compares: Non-Finnish European, 0.0025%; no homozygotes.

Submission:

PreventionGenetics, part of Exact Sciences
Classification: Uncertain significance for KIDINS220-related condition. Last evaluated: 2025-12-05. Review status: criteria provided, single submitter. Criteria: ACMG Guidelines, 2015. Collection method: clinical testing. Allele origin: germline.
Comment: The KIDINS220 c.5084C>T variant is predicted to result in the amino acid substitution p.Ala1695Val. To our knowledge, this variant has not been reported in the literature. This variant is reported in 0.00088% of alleles in individuals of European (Non-Finnish) descent in gnomAD. At this time, the clinical significance of this variant is uncertain due to the absence of conclusive functional and genetic evidence.